The following is an entry in ClinVar:

NM_001257180.2(SLC20A2):c.384C>T (p.Val128=)

Gene: SLC20A2 (solute carrier family 20 member 2; minus strand). Cytogenetic location: 8p11.21.
Variant type: single nucleotide variant.
Coding change: c.384C>T on transcript NM_001257180.2 (MANE Select); coding-DNA position 384, C replaced by T.
Protein change: p.Val128=; no amino-acid change (valine 128 retained).
Molecular consequence: synonymous variant.
Genome position (GRCh38, 1-based): chr8:42,465,823, G>A on the plus strand (C>T on the coding strand, the complement: SLC20A2 is on the minus strand). VCF-style: chr8-42465823-G-A. GRCh37 (hg19) VCF-style: chr8-42323341-G-A.
Other names: c.384C>T, p.Val128= (NM_001257181.2, NM_006749.5).
Identifiers: ClinVar variation 4084679 (VCV004084679.8).

ClinVar aggregate classification (germline): Likely benign (1 of 4 stars; one submission).

gnomAD v4.1: 20 of 1,613,654 alleles (0.0012%); highest among the groups gnomAD compares: East Asian, 0.025%; no homozygotes.

Submission:

CeGaT Center for Human Genetics Tuebingen
Classification: Likely benign. Last evaluated: 2025-06-01. Review status: criteria provided, single submitter. Criteria: CeGaT Center For Human Genetics Tuebingen Variant Classification Criteria Version 2. Collection method: clinical testing. Allele origin: germline. Affected: yes. Observed: 1 variant allele.
Comment: SLC20A2: BP4, BP7